The following is an entry in ClinVar:

ClinVar aggregate classification (germline): Uncertain significance (1 of 4 stars; one submission).

Allele frequency attached by ClinVar (database versions not stated): ExAC 0.00009; gnomAD exomes 0.00010; TOPMed 0.00012; gnomAD 0.00014 and 0.00015; ESP Exome Variant Server 0.00024.
gnomAD v4.1: 166 of 1,613,990 alleles (0.01%); highest among the groups gnomAD compares: Middle Eastern, 0.016%; no homozygotes.

Submission:

Labcorp Genetics (formerly Invitae), Labcorp
Classification: Uncertain significance. Last evaluated: 2024-10-28. Review status: criteria provided, single submitter. Criteria: Invitae Variant Classification Sherloc (09022015). Collection method: clinical testing. Allele origin: germline.
Comment: This sequence change replaces arginine, which is basic and polar, with histidine, which is basic and polar, at codon 2004 of the HTT protein (p.Arg2004His). This variant is present in population databases (rs201159417, gnomAD 0.03%). This variant has not been reported in the literature in individuals affected with HTT-related conditions. ClinVar contains an entry for this variant (Variation ID: 1466912). Experimental studies and prediction algorithms are not available or were not evaluated, and the functional significance of this variant is currently unknown. In summary, the available evidence is currently insufficient to determine the role of this variant in disease. Therefore, it has been classified as a Variant of Uncertain Significance.

NM_001388492.1(HTT):c.6005G>A (p.Arg2002His)

Gene: HTT (huntingtin; plus strand). Cytogenetic location: 4p16.3.
Variant type: single nucleotide variant.
Coding change: c.6005G>A on transcript NM_001388492.1 (MANE Select); coding-DNA position 6005, G replaced by A.
Protein change: p.Arg2002His; replaces arginine 2002 with histidine.
Molecular consequence: missense variant.
Genome position (GRCh38, 1-based): chr4:3,206,913, G>A. VCF-style: chr4-3206913-G-A. GRCh37 (hg19) VCF-style: chr4-3208640-G-A.
Other names: c.6011G>A, p.Arg2004His (NM_002111.8); short protein forms R2002H, R2004H.
Identifiers: ClinVar variation 1466912 (VCV001466912.6), dbSNP rs201159417, ClinGen allele CA2824876.